The following is an entry in ClinVar:

ClinVar aggregate classification (germline): Likely benign (1 of 4 stars; one submission).

Submission:

CeGaT Center for Human Genetics Tuebingen
Classification: Likely benign. Last evaluated: 2026-06-01. Review status: criteria provided, single submitter. Criteria: CeGaT Center For Human Genetics Tuebingen Variant Classification Criteria Version 2. Collection method: clinical testing. Allele origin: germline. Affected: yes. Observed: 1 variant allele.
Comment: SETD2: PM2:Supporting, BP4, BP7

NM_014159.7(SETD2):c.2901T>C (p.Asn967=)

Gene: SETD2 (SET domain containing 2, histone lysine methyltransferase; minus strand). Cytogenetic location: 3p21.31.
Variant type: single nucleotide variant.
Coding change: c.2901T>C on transcript NM_014159.7 (MANE Select); coding-DNA position 2901, T replaced by C.
Protein change: p.Asn967=; no amino-acid change (asparagine 967 retained).
Molecular consequence: synonymous variant. On other transcripts: non-coding transcript variant (1).
Genome position (GRCh38, 1-based): chr3:47,121,735, A>G on the plus strand (T>C on the coding strand, the complement: SETD2 is on the minus strand). VCF-style: chr3-47121735-A-G. GRCh37 (hg19) VCF-style: chr3-47163225-A-G.
Other names: c.2769T>C, p.Asn923= (NM_001349370.3).
Identifiers: ClinVar variation 4872726 (VCV004872726.2).